The following is an entry in ClinVar:

NM_000217.3(KCNA1):c.1241T>C (p.Phe414Ser)

Gene: KCNA1 (potassium voltage-gated channel subfamily A member 1; plus strand). Cytogenetic location: 12p13.32.
Variant type: single nucleotide variant.
Coding change: c.1241T>C on transcript NM_000217.3 (MANE Select); coding-DNA position 1241, T replaced by C.
Protein change: p.Phe414Ser; replaces phenylalanine 414 with serine.
Molecular consequence: missense variant.
Genome position (GRCh38, 1-based): chr12:4,912,619, T>C. VCF-style: chr12-4912619-T-C. GRCh37 (hg19) VCF-style: chr12-5021785-T-C.
Other names: short protein forms F414S.
Identifiers: ClinVar variation 3778752 (VCV003778752.2).

ClinVar aggregate classification (germline): Likely pathogenic (1 of 4 stars; one submission).

Conditions:
Episodic ataxia type 1 (EA1). Also called: MYOKYMIA WITH PERIODIC ATAXIA; PAROXYSMAL ATAXIA WITH NEUROMYOTONIA, HEREDITARY; Episodic ataxia/myokymia syndrome; ATAXIA, EPISODIC, WITH MYOKYMIA. Identifiers: Orphanet 37612, Orphanet 972, MedGen C1719788, MONDO:0008047, OMIM 160120.

Submission:

Institute of Human Genetics, University of Leipzig Medical Center
Classification: Likely pathogenic for Episodic ataxia type 1. Last evaluated: 2025-03-31. Review status: criteria provided, single submitter. Criteria: ACMG Guidelines, 2015. Collection method: clinical testing. Allele origin: paternal. Inheritance: Autosomal dominant inheritance. Affected: yes.
Comment: Criteria applied: PM1,PM5,PS4_SUP,PM2_SUP,PP2,PP3